The following is an entry in ClinVar:

NM_033026.6(PCLO):c.15206C>T (p.Thr5069Ile)

Gene: PCLO (piccolo presynaptic cytomatrix protein; minus strand). Cytogenetic location: 7q21.11.
Variant type: single nucleotide variant.
Coding change: c.15206C>T on transcript NM_033026.6 (MANE Select); coding-DNA position 15206, C replaced by T.
Protein change: p.Thr5069Ile; replaces threonine 5069 with isoleucine.
Molecular consequence: missense variant.
Genome position (GRCh38, 1-based): chr7:82,760,721, G>A on the plus strand (C>T on the coding strand, the complement: PCLO is on the minus strand). VCF-style: chr7-82760721-G-A. GRCh37 (hg19) VCF-style: chr7-82390037-G-A.
Other names: short protein forms T5069I.
Identifiers: ClinVar variation 2063756 (VCV002063756.4), dbSNP rs895143010, ClinGen allele CA161686491.

ClinVar aggregate classification (germline): Uncertain significance (1 of 4 stars; one submission).

Allele frequency attached by ClinVar (database versions not stated): gnomAD exomes below 0.00001; gnomAD 0.00001; TOPMed 0.00001.
gnomAD v4.1: 2 of 1,580,310 alleles (0.00013%); highest among the groups gnomAD compares: Non-Finnish European, 0.00017%; no homozygotes.

Submission:

Labcorp Genetics (formerly Invitae), Labcorp
Classification: Uncertain significance. Last evaluated: 2022-04-08. Review status: criteria provided, single submitter. Criteria: Invitae Variant Classification Sherloc (09022015). Collection method: clinical testing. Allele origin: germline.
Comment: In summary, the available evidence is currently insufficient to determine the role of this variant in disease. Therefore, it has been classified as a Variant of Uncertain Significance. Algorithms developed to predict the effect of missense changes on protein structure and function are either unavailable or do not agree on the potential impact of this missense change (SIFT: "Deleterious"; PolyPhen-2: "Not Available"; Align-GVGD: "Class C0"). This variant has not been reported in the literature in individuals affected with PCLO-related conditions. This variant is present in population databases (no rsID available, gnomAD 0.0009%). This sequence change replaces threonine, which is neutral and polar, with isoleucine, which is neutral and non-polar, at codon 5069 of the PCLO protein (p.Thr5069Ile).